The following is an entry in ClinVar:

NM_021830.5(TWNK):c.1321T>C (p.Trp441Arg)

Gene: TWNK (twinkle mtDNA helicase; plus strand). Cytogenetic location: 10q24.31.
Variant type: single nucleotide variant.
Coding change: c.1321T>C on transcript NM_021830.5 (MANE Select); coding-DNA position 1321, T replaced by C.
Protein change: p.Trp441Arg; replaces tryptophan 441 with arginine.
Molecular consequence: missense variant. On other transcripts: 5 prime UTR variant (3), non-coding transcript variant (5).
Genome position (GRCh38, 1-based): chr10:100,989,721, T>C. VCF-style: chr10-100989721-T-C. GRCh37 (hg19) VCF-style: chr10-102749478-T-C.
Other names: c.1321T>C, p.Trp441Arg (NM_001163812.2); c.-42T>C (NM_001163813.2, NM_001163814.2, NM_001368275.1); short protein forms W441R.
Identifiers: ClinVar variation 4882506 (VCV004882506.2).

ClinVar aggregate classification (germline): Uncertain significance (1 of 4 stars; one submission).

Submission:

Dasa
Classification: Uncertain significance. Last evaluated: 2026-03-26. Review status: criteria provided, single submitter. Criteria: DASA Assertion Criteria. Collection method: clinical testing. Allele origin: germline.
Comment: NM_021830.5(TWNK):c.1321T>C (p.Trp441Arg) is a missense variant that results in the substitution of tryptophan with arginine. The affected residue or protein region has prior evidence supporting clinical relevance. This variant is absent from population databases. Computational prediction algorithms are consistent with a deleterious effect. The currently available literature and clinical evidence are not sufficient to establish a definitive association between this variant and the reported condition. Therefore, this variant is classified as a variant of uncertain significance.